The following is an entry in ClinVar:

NC_012920.1(MT-CYB):m.15804T>C

Gene: MT-CYB (mitochondrially encoded cytochrome b; plus strand).
Variant type: single nucleotide variant.
Genome position: chrM-15804-T-C.
Identifiers: ClinVar variation 693957 (VCV000693957.1), dbSNP rs1556424669, ClinGen allele CA913174888.

ClinVar aggregate classification (germline): Benign (1 of 4 stars; one submission).

Conditions:
Leigh syndrome (NULS). Also called: Leigh's necrotizing encephalopathy; Leigh's disease; Leigh's syndrome; LEIGH SYNDROME, NUCLEAR; Leigh Syndrome (mtDNA deletion); Leigh Disease. Identifiers: Orphanet 506, MedGen C2931891, MONDO:0009723, OMIM 256000.

Submission:

Wong Mito Lab, Molecular and Human Genetics, Baylor College of Medicine
Classification: Benign for Leigh syndrome. Last evaluated: 2019-10-17. Review status: criteria provided, single submitter. Criteria: Modified ACMG Guidelines (Unpublished). Collection method: clinical testing. Allele origin: germline.
Comment: The NC_012920.1:m.15804T>C (YP_003024038.1:p.Val353Ala) variant in MTCYB gene is interpretated to be a Benign variant based on the modified ACMG guidelines (unpublished). This variant meets the following evidence codes: BS1, BS4, BP6

Literature cited by the submitters: PubMed 26566881.